The following is an entry in ClinVar:

NM_000268.4(NF2):c.771del (p.Trp258fs)

Gene: NF2 (NF2, moesin-ezrin-radixin like (MERLIN) tumor suppressor; plus strand). Cytogenetic location: 22q12.2.
Variant type: Deletion.
Coding change: c.771del on transcript NM_000268.4 (MANE Select); coding-DNA position 771, one base deleted (G; older notation c.771delG).
Protein change: p.Trp258fs; shifts the reading frame from tryptophan 258.
Molecular consequence: frameshift variant. On other transcripts: non-coding transcript variant (1), intron variant (4).
Genome position (GRCh38, 1-based): chr22:29,661,300, G deleted. VCF-style (leftmost placement, unchanged base first): chr22-29661299-CG-C. GRCh37 (hg19) VCF-style: chr22-30057288-CG-C.
Other names: c.657del, p.Trp220fs (NM_001407053.1, NM_001407056.1); c.648del, p.Trp217fs (NM_001407054.1, NM_001407058.1, NM_181829.3); c.645del, p.Trp216fs (NM_001407055.1, NM_181828.3); c.771del, p.Trp258fs (NM_001407060.1, NM_001407066.1, NM_016418.5 and 2 more transcripts); c.522del, p.Trp175fs (NM_001407063.1, NM_001407064.1, NM_181830.3 and 1 more transcripts); c.237del, p.Trp80fs (NM_001407065.1); c.540del, p.Trp181fs (NM_001407067.1); c.675+3036del (NM_001407059.1, NM_001407057.1); and 2 more; short protein forms W217fs, W80fs, W258fs, W181fs, W175fs, W216fs, W220fs.
Identifiers: ClinVar variation 2757916 (VCV002757916.3), dbSNP rs2518598543, ClinGen allele CA2697552602.

ClinVar aggregate classification (germline): Pathogenic (1 of 4 stars; one submission).

Conditions:
Neurofibromatosis, type 2 (SWNV). Also called: SCHWANNOMATOSIS, VESTIBULAR; BILATERAL ACOUSTIC NEUROFIBROMATOSIS; NF2-Related Schwannomatosis. Identifiers: Orphanet 637, MedGen C0027832, MONDO:0007039, OMIM 101000. Disease mechanism: loss of function.

Submission:

Labcorp Genetics (formerly Invitae), Labcorp
Classification: Pathogenic for Neurofibromatosis, type 2. Last evaluated: 2023-09-04. Review status: criteria provided, single submitter. Criteria: Invitae Variant Classification Sherloc (09022015). Collection method: clinical testing. Allele origin: germline.
Comment: This sequence change creates a premature translational stop signal (p.Trp258Glyfs*38) in the NF2 gene. It is expected to result in an absent or disrupted protein product. Loss-of-function variants in NF2 are known to be pathogenic (PMID: 9643284, 16983642). This variant is not present in population databases (gnomAD no frequency). This variant has not been reported in the literature in individuals affected with NF2-related conditions. For these reasons, this variant has been classified as Pathogenic.

Literature cited by the submitters: PubMed 9643284; PubMed 16983642.